The following is an entry in ClinVar:

ClinVar aggregate classification (germline): Uncertain significance (0 of 4 stars; one submission).

Conditions:
AGTR2-related disorder. Also called: AGTR2-related condition.

Submission:

PreventionGenetics, part of Exact Sciences
Classification: Uncertain significance for AGTR2-related condition. Last evaluated: 2023-12-18. Review status: no assertion criteria provided. Collection method: clinical testing. Allele origin: germline.
Comment: The AGTR2 c.506G>T variant is predicted to result in the amino acid substitution p.Cys169Phe. To our knowledge, this variant has not been reported in the literature or in a large population database, indicating this variant is rare. At this time, the clinical significance of this variant is uncertain due to the absence of conclusive functional and genetic evidence.

NM_000686.5(AGTR2):c.506G>T (p.Cys169Phe)

Gene: AGTR2 (angiotensin II receptor type 2; plus strand). Cytogenetic location: Xq23.
Variant type: single nucleotide variant.
Coding change: c.506G>T on transcript NM_000686.5 (MANE Select); coding-DNA position 506, G replaced by T.
Protein change: p.Cys169Phe; replaces cysteine 169 with phenylalanine.
Molecular consequence: missense variant.
Genome position (GRCh38, 1-based): chrX:116,172,786, G>T. VCF-style: chrX-116172786-G-T. GRCh37 (hg19) VCF-style: chrX-115304039-G-T.
Other names: c.506G>T, p.Cys169Phe (NM_001385624.1); short protein forms C169F.
Identifiers: ClinVar variation 3049825 (VCV003049825.2), dbSNP rs2520575070, ClinGen allele CA414338500.
Genomic context (GRCh38, chrX:116,172,786, plus strand): 5'-CCTTTCTGTCTCAAAGAAGAAATCCCTGGCAAGCATCTTATATAGTTCCCCTTGTTTGGT[G>T]TATGGCCTGTTTGTCCTCATTGCCAACATTTTATTTTCGAGACGTCAGAACCATTGAATA-3'
Protein context (NP_000677.2, residues 159-179): QASYIVPLVW[Cys169Phe]MACLSSLPTF